The following is an entry in ClinVar:

ClinVar aggregate classification (germline): Likely pathogenic (1 of 4 stars; one submission).

Submission:

CeGaT Center for Human Genetics Tuebingen
Classification: Likely pathogenic. Last evaluated: 2022-04-01. Review status: criteria provided, single submitter. Criteria: CeGaT Center For Human Genetics Tuebingen Variant Classification Criteria Version 2. Collection method: clinical testing. Allele origin: germline. Affected: yes. Observed: 1 variant allele.
Comment: COL6A2: PM1:Strong, PM2, PP3, PP4

NM_001849.4(COL6A2):c.1055G>A (p.Gly352Asp)

Gene: COL6A2 (collagen type VI alpha 2 chain; plus strand). Cytogenetic location: 21q22.3.
Variant type: single nucleotide variant.
Coding change: c.1055G>A on transcript NM_001849.4 (MANE Select); coding-DNA position 1055, G replaced by A.
Protein change: p.Gly352Asp; replaces glycine 352 with aspartic acid.
Molecular consequence: missense variant.
Genome position (GRCh38, 1-based): chr21:46,117,875, G>A. VCF-style: chr21-46117875-G-A. GRCh37 (hg19) VCF-style: chr21-47537789-G-A.
Other names: c.1055G>A, p.Gly352Asp (NM_058174.3, NM_058175.3); short protein forms G352D.
Identifiers: ClinVar variation 1695033 (VCV001695033.31), dbSNP rs2123632697, ClinGen allele CA410527428.